The following is an entry in ClinVar:

NC_000017.11:g.8173580_8173596dup

Genes: SNORD118 (small nucleolar RNA, C/D box 118; minus strand), TMEM107 (transmembrane protein 107; minus strand). Cytogenetic location: 17p13.1.
Variant type: Duplication.
Molecular consequence: 3 prime UTR variant (on NM_183065.4). On other transcripts: non-coding transcript variant (1).
Genome position: GRCh38 VCF-style: chr17-8173578-C-CACCTGACGATACAGACA. GRCh37 (hg19) VCF-style: chr17-8076896-C-CACCTGACGATACAGACA.
Other names: c.*608_*624dup (NM_001351278.2, NM_001351279.2, NM_001351280.2 and 2 more transcripts).
Identifiers: ClinVar variation 2837225 (VCV002837225.3), dbSNP rs1224772399, ClinGen allele CA624869102.
Genomic context (GRCh38, chr17:8,173,578, plus strand): 5'-GCATCTCCAATCATCATGTTCTAATCTGCCCTCCGGAGGAGGAACAGGTAAGGATTATCC[C>CACCTGACGATACAGACA]ACCTGACGATACAGACAAACAGCCGACATTCTGCACTCAGTGAAAAAGATTCCGTTACAA-3'

ClinVar aggregate classification (germline): Uncertain significance (1 of 4 stars; one submission).

Submission:

Labcorp Genetics (formerly Invitae), Labcorp
Classification: Uncertain significance. Last evaluated: 2024-01-22. Review status: criteria provided, single submitter. Criteria: Invitae Variant Classification Sherloc (09022015). Collection method: clinical testing. Allele origin: germline.
Comment: This variant occurs in the SNORD118 gene, which encodes an RNA molecule that does not result in a protein product. This variant is present in population databases (no rsID available, gnomAD 0.01%). This variant has not been reported in the literature in individuals affected with SNORD118-related conditions. Experimental studies and prediction algorithms are not available or were not evaluated, and the functional significance of this variant is currently unknown. In summary, the available evidence is currently insufficient to determine the role of this variant in disease. Therefore, it has been classified as a Variant of Uncertain Significance.